The following is an entry in ClinVar:

ClinVar aggregate classification (germline): Pathogenic/Likely pathogenic. Review status: criteria provided, multiple submitters, no conflicts (2 of 4 stars). 3 submissions from 3 submitters: Pathogenic (2); Likely pathogenic (1). Last evaluated 2025-07-07.

Conditions:
Polycystic kidney disease, adult type (PKD1). Also called: Polycystic Kidney Disease 1, Autosomal Dominant; Polycystic kidney disease 1; Polycystic kidney disease 1, severe; POLYCYSTIC KIDNEY DISEASE, ADULT, TYPE I; Polycystic Kidney, Autosomal Dominant; POLYCYSTIC KIDNEY DISEASE 1 WITH OR WITHOUT POLYCYSTIC LIVER DISEASE. Identifiers: MedGen C3149841, MONDO:0008263, OMIM 173900.
Inborn genetic diseases. Identifiers: MedGen C0950123, MeSH D030342.

Submissions (3):

Women's Health and Genetics/Laboratory Corporation of America, LabCorp
Classification: Pathogenic for Polycystic kidney disease, adult type. Last evaluated: 2025-07-07. Review status: criteria provided, single submitter. Criteria: LabCorp Variant Classification Summary - May 2015. Collection method: clinical testing. Allele origin: germline.
Comment: Variant summary: PKD1 c.6331G>T (p.Glu2111X) results in a premature termination codon, predicted to cause a truncation of the encoded protein or absence of the protein due to nonsense mediated decay, which are commonly known mechanisms for disease. The variant was absent in 177374 control chromosomes. To our knowledge, no occurrence of c.6331G>T in individuals affected with Polycystic Kidney Disease and no experimental evidence demonstrating its impact on protein function have been reported. ClinVar contains an entry for this variant (Variation ID: 3306847). Based on the evidence outlined above, the variant was classified as pathogenic.

Ambry Genetics
Classification: Pathogenic for Inborn genetic diseases. Last evaluated: 2024-06-12. Review status: criteria provided, single submitter. Criteria: Ambry Variant Classification Scheme 2023. Collection method: clinical testing. Allele origin: germline.
Comment: The c.6331G>T (p.E2111*) alteration, located in exon 15 (coding exon 15) of the PKD1 gene, consists of a G to T substitution at nucleotide position 6331. This changes the amino acid from a glutamic acid (E) to a stop codon at amino acid position 2111. This alteration is expected to result in loss of function by premature protein truncation or nonsense-mediated mRNA decay. This variant was not reported in population-based cohorts in the Genome Aggregation Database (gnomAD). Based on the available evidence, this alteration is classified as pathogenic.

Fulgent Genetics
Classification: Likely pathogenic for Polycystic kidney disease, adult type. Last evaluated: 2024-02-10. Review status: criteria provided, single submitter. Criteria: ACMG Guidelines, 2015. Collection method: clinical testing. Allele origin: germline.

NM_001009944.3(PKD1):c.6331G>T (p.Glu2111Ter)

Gene: PKD1 (polycystin 1, transient receptor potential channel interacting; minus strand). Cytogenetic location: 16p13.3.
Variant type: single nucleotide variant.
Coding change: c.6331G>T on transcript NM_001009944.3 (MANE Select); coding-DNA position 6331, G replaced by T.
Protein change: p.Glu2111Ter; replaces glutamic acid 2111 with a stop codon.
Molecular consequence: nonsense.
Genome position (GRCh38, 1-based): chr16:2,108,836, C>A on the plus strand (G>T on the coding strand, the complement: PKD1 is on the minus strand). VCF-style: chr16-2108836-C-A. GRCh37 (hg19) VCF-style: chr16-2158837-C-A.
Other names: c.6331G>T, p.Glu2111Ter (NM_000296.4); short protein forms E2111*.
Identifiers: ClinVar variation 3306847 (VCV003306847.3).
Genomic context (GRCh38, chr16:2,108,836, plus strand): 5'-TCACCAGGTTGGAGGCGTTCACCTGCACGCGGTAGTCCCCAGGCCTCAGGTAGGAGTGCT[C>A]GGCCCTGGGCTCATCTGTGTCCTGCCCTGGCGACCCATCCCCAAAGTCCCAGTGGTAGGC-3'